The following is an entry in ClinVar:

NM_000090.4(COL3A1):c.4172A>C (p.Lys1391Thr)

Gene: COL3A1 (collagen type III alpha 1 chain; plus strand). Cytogenetic location: 2q32.2.
Variant type: single nucleotide variant.
Coding change: c.4172A>C on transcript NM_000090.4 (MANE Select); coding-DNA position 4172, A replaced by C.
Protein change: p.Lys1391Thr; replaces lysine 1391 with threonine.
Molecular consequence: missense variant.
Genome position (GRCh38, 1-based): chr2:189,010,808, A>C. VCF-style: chr2-189010808-A-C. GRCh37 (hg19) VCF-style: chr2-189875534-A-C.
Other names: short protein forms K1391T.
Identifiers: ClinVar variation 4758184 (VCV004758184.1).
Genomic context (GRCh38, chr2:189,010,808, plus strand): 5'-ACTGCAAAAATAGCATTGCATACATGGATCAGGCCAGTGGAAATGTAAAGAAGGCCCTGA[A>C]GCTGATGGGGTCAAATGAAGGTGAATTCAAGGCTGAAGGAAATAGCAAATTCACCTACAC-3'
Protein context (NP_000081.2, residues 1381-1401): QASGNVKKAL[Lys1391Thr]LMGSNEGEFK

ClinVar aggregate classification (germline): Uncertain significance (1 of 4 stars; one submission).

Conditions:
Familial thoracic aortic aneurysm and aortic dissection (TAAD). Also called: Thoracic aortic aneurysms and dissections. Identifiers: Orphanet 91387, MedGen C4707243, MONDO:0019625.

Submission:

Color Diagnostics, LLC DBA Color Health
Classification: Uncertain significance for Familial thoracic aortic aneurysm and aortic dissection. Last evaluated: 2025-10-27. Review status: criteria provided, single submitter. Criteria: ACMG Guidelines, 2015. Collection method: clinical testing. Allele origin: germline.
Comment: This missense variant replaces lysine with threonine at codon 1391 of the COL3A1 protein. Computational prediction suggests that this variant may not impact protein structure and function. To our knowledge, functional studies have not been reported for this variant. This variant has not been reported in individuals affected with COL3A1-related disorders in the literature. This variant has not been identified in the general population by the Genome Aggregation Database (gnomAD). The available evidence is insufficient to determine the role of this variant in disease conclusively. Therefore, this variant is classified as a Variant of Uncertain Significance.